The following is an entry in ClinVar:

NM_013335.4(GMPPA):c.108G>C (p.Met36Ile)

Genes: ASIC4-AS1 (ASIC4 antisense RNA 1; minus strand), GMPPA (GDP-mannose pyrophosphorylase A; plus strand). Cytogenetic location: 2q35.
Variant type: single nucleotide variant.
Coding change: c.108G>C on transcript NM_013335.4 (MANE Select); coding-DNA position 108, G replaced by C.
Protein change: p.Met36Ile; replaces methionine 36 with isoleucine.
Molecular consequence: missense variant.
Genome position (GRCh38, 1-based): chr2:219,500,188, G>C. VCF-style: chr2-219500188-G-C. GRCh37 (hg19) VCF-style: chr2-220364910-G-C.
Other names: c.108G>C, p.Met36Ile (NM_205847.3); short protein forms M36I.
Identifiers: ClinVar variation 583244 (VCV000583244.11), dbSNP rs745438072, ClinGen allele CA2128032.
Genomic context (GRCh38, chr2:219,500,188, plus strand): 5'-CTTCAGACCTTTGTCTTTTGAGGTGCCCAAACCATTGTTTCCTGTGGCAGGGGTCCCTAT[G>C]ATCCAACACCATATTGAAGCCTGTGCCCAGGTAACCTCAGGGGCTCCCCTCTCTCACCTC-3'
Protein context (NP_037467.2, residues 26-46): KPLFPVAGVP[Met36Ile]IQHHIEACAQ

ClinVar aggregate classification (germline): Uncertain significance. Review status: criteria provided, multiple submitters, no conflicts (2 of 4 stars). 2 submissions from 2 submitters: Uncertain significance (2). Last evaluated 2025-04-01.

Conditions:
Inborn genetic diseases. Identifiers: MedGen C0950123, MeSH D030342.
Alacrima, achalasia, and impaired intellectual development syndrome. Also called: Alacrima, achalasia, and mental retardation syndrome; Alacrima, achalasia, and intellectual disability syndrome. Identifiers: Orphanet 869, MedGen C4706563, MONDO:0014219, OMIM 615510.

Allele frequency attached by ClinVar (database versions not stated): gnomAD 0.00009; ExAC 0.00010; TOPMed 0.00007.
gnomAD v4.1: 265 of 1,582,108 alleles (0.017%); highest among the groups gnomAD compares: Non-Finnish European, 0.022%; no homozygotes.

Submissions (2):

Ambry Genetics
Classification: Uncertain significance for Inborn genetic diseases. Last evaluated: 2025-04-01. Review status: criteria provided, single submitter. Criteria: Ambry Variant Classification Scheme 2023. Collection method: clinical testing. Allele origin: germline.

Labcorp Genetics (formerly Invitae), Labcorp
Classification: Uncertain significance for Alacrima, achalasia, and impaired intellectual development syndrome. Last evaluated: 2018-04-11. Review status: criteria provided, single submitter. Criteria: Invitae Variant Classification Sherloc (09022015). Collection method: clinical testing. Allele origin: germline.
Comment: This variant is present in population databases (rs745438072, ExAC 0.02%). This variant has not been reported in the literature in individuals with GMPPA-related disease. Algorithms developed to predict the effect of missense changes on protein structure and function do not agree on the potential impact of this missense change (SIFT: "Tolerated"; PolyPhen-2: "Benign"; Align-GVGD: "Class C0"). In summary, the available evidence is currently insufficient to determine the role of this variant in disease. Therefore, it has been classified as a Variant of Uncertain Significance. This sequence change replaces methionine with isoleucine at codon 36 of the GMPPA protein (p.Met36Ile). The methionine residue is highly conserved and there is a small physicochemical difference between methionine and isoleucine.